The following is an entry in ClinVar:

NM_152594.3(SPRED1):c.74A>G (p.Asp25Gly)

Gene: SPRED1 (sprouty related EVH1 domain containing 1; plus strand). Cytogenetic location: 15q14.
Variant type: single nucleotide variant.
Coding change: c.74A>G on transcript NM_152594.3 (MANE Select); coding-DNA position 74, A replaced by G.
Protein change: p.Asp25Gly; replaces aspartic acid 25 with glycine.
Molecular consequence: missense variant.
Genome position (GRCh38, 1-based): chr15:38,299,414, A>G. VCF-style: chr15-38299414-A-G. GRCh37 (hg19) VCF-style: chr15-38591615-A-G.
Other names: short protein forms D25G.
Identifiers: ClinVar variation 391600 (VCV000391600.12), dbSNP rs1057524159, ClinGen allele CA16606660.

ClinVar aggregate classification (germline): Uncertain significance. Review status: criteria provided, multiple submitters, no conflicts (2 of 4 stars). 2 submissions from 2 submitters: Uncertain significance (2). Last evaluated 2025-07-25.

Conditions:
Legius syndrome. Identifiers: Orphanet 137605, MedGen C1969623, MONDO:0012669, OMIM 611431. Disease mechanism: loss of function.

Submissions (2):

GeneDx
Classification: Uncertain significance. Last evaluated: 2025-07-25. Review status: criteria provided, single submitter. Criteria: GeneDx Variant Classification Process June 2021. Collection method: clinical testing. Allele origin: germline. Affected: yes.
Comment: Not observed at significant frequency in large population cohorts (gnomAD); In silico analysis supports that this missense variant has a deleterious effect on protein structure/function; Identified in patients with personal and family history consistent with pathogenic variants in this gene referred for genetic testing at GeneDx and in published literature (PMID: 31370276); This variant is associated with the following publications: (PMID: 31370276)

Labcorp Genetics (formerly Invitae), Labcorp
Classification: Uncertain significance for Legius syndrome. Last evaluated: 2022-01-01. Review status: criteria provided, single submitter. Criteria: Invitae Variant Classification Sherloc (09022015). Collection method: clinical testing. Allele origin: germline.
Comment: ClinVar contains an entry for this variant (Variation ID: 391600). In summary, the available evidence is currently insufficient to determine the role of this variant in disease. Therefore, it has been classified as a Variant of Uncertain Significance. Algorithms developed to predict the effect of sequence changes on RNA splicing suggest that this variant may create or strengthen a splice site. Algorithms developed to predict the effect of missense changes on protein structure and function are either unavailable or do not agree on the potential impact of this missense change (SIFT: "Deleterious"; PolyPhen-2: "Probably Damaging"; Align-GVGD: "Class C0"). This missense change has been observed in individual(s) with clinical features of Legius syndrome (PMID: 31370276). This variant is not present in population databases (gnomAD no frequency). This sequence change replaces aspartic acid, which is acidic and polar, with glycine, which is neutral and non-polar, at codon 25 of the SPRED1 protein (p.Asp25Gly).

Literature cited by the submitters: PubMed 31370276 (cited by Labcorp Genetics (formerly Invitae), Labcorp).